The following is an entry in ClinVar:

NM_153033.5(KCTD7):c.494-3T>C

Gene: KCTD7 (potassium channel tetramerization domain containing 7; plus strand). Cytogenetic location: 7q11.21.
Variant type: single nucleotide variant.
Coding change: c.494-3T>C on transcript NM_153033.5 (MANE Select); 3 bases into the intron before coding-DNA position 494, T replaced by C.
Molecular consequence: intron variant.
Genome position (GRCh38, 1-based): chr7:66,638,853, T>C. VCF-style: chr7-66638853-T-C. GRCh37 (hg19) VCF-style: chr7-66103840-T-C.
Other names: c.494-3T>C (NM_001167961.2).
Identifiers: ClinVar variation 1398942 (VCV001398942.3), dbSNP rs1786646567, ClinGen allele CA1102443972.

ClinVar aggregate classification (germline): Uncertain significance (1 of 4 stars; one submission).

Conditions:
Progressive myoclonic epilepsy type 3. Also called: EPILEPSY, PROGRESSIVE MYOCLONIC, 3, WITH OR WITHOUT INTRACELLULAR INCLUSIONS; CEROID LIPOFUSCINOSIS, NEURONAL, 14; KCTD7-Related Progressive Myoclonic Epilepsy; EPILEPSY, PROGRESSIVE MYOCLONIC, 3, WITHOUT INTRACELLULAR INCLUSIONS. Identifiers: Orphanet 263516, MedGen C2673257, MONDO:0012721, OMIM 611726.

Allele frequency attached by ClinVar (database versions not stated): gnomAD 0.00001.
gnomAD v4.1: 1 of 1,613,916 alleles (0.000062%); highest among the groups gnomAD compares: Admixed American, 0.0017%; no homozygotes.

Submission:

Labcorp Genetics (formerly Invitae), Labcorp
Classification: Uncertain significance for Progressive myoclonic epilepsy type 3. Last evaluated: 2022-02-05. Review status: criteria provided, single submitter. Criteria: Invitae Variant Classification Sherloc (09022015). Collection method: clinical testing. Allele origin: germline.
Comment: This sequence change falls in intron 3 of the KCTD7 gene. It does not directly change the encoded amino acid sequence of the KCTD7 protein. It affects a nucleotide within the consensus splice site. This variant is not present in population databases (gnomAD no frequency). This variant has not been reported in the literature in individuals affected with KCTD7-related conditions. Variants that disrupt the consensus splice site are a relatively common cause of aberrant splicing (PMID: 17576681, 9536098). Algorithms developed to predict the effect of sequence changes on RNA splicing suggest that this variant is not likely to affect RNA splicing. In summary, the available evidence is currently insufficient to determine the role of this variant in disease. Therefore, it has been classified as a Variant of Uncertain Significance.

Literature cited by the submitters: PubMed 17576681; PubMed 9536098.